The following is an entry in ClinVar:

NM_017617.5(NOTCH1):c.3579G>T (p.Gln1193His)

Gene: NOTCH1 (notch receptor 1; minus strand). Cytogenetic location: 9q34.3.
Variant type: single nucleotide variant.
Coding change: c.3579G>T on transcript NM_017617.5 (MANE Select); coding-DNA position 3579, G replaced by T.
Protein change: p.Gln1193His; replaces glutamine 1193 with histidine.
Molecular consequence: missense variant.
Genome position (GRCh38, 1-based): chr9:136,507,369, C>A on the plus strand (G>T on the coding strand, the complement: NOTCH1 is on the minus strand). VCF-style: chr9-136507369-C-A. GRCh37 (hg19) VCF-style: chr9-139401821-C-A.
Other names: short protein forms Q1193H.
Identifiers: ClinVar variation 1006482 (VCV001006482.15), dbSNP rs61751544, ClinGen allele CA5340875.
Genomic context (GRCh38, chr9:136,507,369, plus strand): 5'-AGTGCCCCGTGGGCAGGAGCACTTGTAGGTGTTGGGGAGGTCGAGGCAGGTGCCCCCGTT[C>A]TGGCAGGGGTGGGAGAGGCACTCGTCGATCTCCTCAGAGCAGTTCACCCCGTGGTAGCCG-3'
Protein context (NP_060087.3, residues 1183-1203): EIDECLSHPC[Gln1193His]NGGTCLDLPN

ClinVar aggregate classification (germline): Conflicting classifications of pathogenicity. Review status: criteria provided, conflicting classifications (1 of 4 stars). 5 submissions from 4 submitters: Uncertain significance (4); Benign (1). Last evaluated 2025-09-15.

Conditions:
Adams-Oliver syndrome 5 (AOS5). Identifiers: Orphanet 974, MedGen C4014970, MONDO:0014459, OMIM 616028.
Familial thoracic aortic aneurysm and aortic dissection (TAAD). Also called: Thoracic aortic aneurysms and dissections. Identifiers: Orphanet 91387, MedGen C4707243, MONDO:0019625.
Aortic valve disease 1 (AOVD1). Identifiers: MedGen C3887892, MONDO:0024523, OMIM 109730.

Allele frequency attached by ClinVar (database versions not stated): TOPMed 0.00005.
gnomAD v4.1: 78 of 1,612,658 alleles (0.0048%); highest among the groups gnomAD compares: Non-Finnish European, 0.0065%; no homozygotes.

Submissions (5):

Labcorp Genetics (formerly Invitae), Labcorp
Classification: Benign for Adams-Oliver syndrome 5. Last evaluated: 2025-09-15. Review status: criteria provided, single submitter. Criteria: Invitae Variant Classification Sherloc (09022015). Collection method: clinical testing. Allele origin: germline.

Ambry Genetics
Classification: Uncertain significance for Familial thoracic aortic aneurysm and aortic dissection. Last evaluated: 2025-03-09. Review status: criteria provided, single submitter. Criteria: Ambry Variant Classification Scheme 2023. Collection method: clinical testing. Allele origin: germline.
Comment: The p.Q1193H variant (also known as c.3579G>T), located in coding exon 22 of the NOTCH1 gene, results from a G to T substitution at nucleotide position 3579. The glutamine at codon 1193 is replaced by histidine, an amino acid with highly similar properties. This amino acid position is well conserved in available vertebrate species; however, histidine is the reference amino acid in other vertebrate species. In addition, this alteration is predicted to be tolerated by in silico analysis. Since supporting evidence is limited at this time, the clinical significance of this alteration remains unclear.

GeneDx
Classification: Uncertain significance. Last evaluated: 2023-10-05. Review status: criteria provided, single submitter. Criteria: GeneDx Variant Classification Process June 2021. Collection method: clinical testing. Allele origin: germline. Affected: yes.
Comment: Has not been previously published as pathogenic or benign to our knowledge; In silico analysis supports that this missense variant has a deleterious effect on protein structure/function

Genome-Nilou Lab
Classification: Uncertain significance for Adams-Oliver syndrome 5. Last evaluated: 2022-03-15. Review status: criteria provided, single submitter. Criteria: ACMG Guidelines, 2015. Collection method: clinical testing. Allele origin: germline. Affected: no.

Genome-Nilou Lab
Classification: Uncertain significance for Aortic valve disease 1. Last evaluated: 2022-03-15. Review status: criteria provided, single submitter. Criteria: ACMG Guidelines, 2015. Collection method: clinical testing. Allele origin: germline. Affected: no.